The following is an entry in ClinVar:

NM_001009944.3(PKD1):c.2853+5G>A

Gene: PKD1 (polycystin 1, transient receptor potential channel interacting; minus strand). Cytogenetic location: 16p13.3.
Variant type: single nucleotide variant.
Coding change: c.2853+5G>A on transcript NM_001009944.3 (MANE Select); 5 bases into the intron after coding-DNA position 2853, G replaced by A.
Molecular consequence: intron variant.
Genome position (GRCh38, 1-based): chr16:2,114,165, C>T on the plus strand (G>A on the coding strand, the complement: PKD1 is on the minus strand). VCF-style: chr16-2114165-C-T. GRCh37 (hg19) VCF-style: chr16-2164166-C-T.
Other names: c.2853+5G>A (NM_000296.4).
Identifiers: ClinVar variation 3344858 (VCV003344858.2).

ClinVar aggregate classification (germline): Uncertain significance. Review status: criteria provided, single submitter (1 of 4 stars). 2 submissions from 2 submitters: Uncertain significance (1). 1 of the submissions does not count toward it. Last evaluated 2024-01-22.

Conditions:
PKD1-related disorder. Also called: PKD1-related condition.
Polycystic kidney disease, adult type (PKD1). Also called: Polycystic Kidney, Autosomal Dominant; POLYCYSTIC KIDNEY DISEASE 1 WITH OR WITHOUT POLYCYSTIC LIVER DISEASE; POLYCYSTIC KIDNEY DISEASE, ADULT, TYPE I; Polycystic Kidney Disease 1, Autosomal Dominant; Polycystic kidney disease 1; Polycystic kidney disease 1, severe. Identifiers: MedGen C3149841, MONDO:0008263, OMIM 173900.

Submissions (2):

Department of Pathology and Laboratory Medicine, Sinai Health System
Classification: Uncertain significance for Polycystic kidney disease, adult type. Last evaluated: 2024-01-22. Review status: criteria provided, single submitter. Criteria: ACMG Guidelines, 2015. Collection method: clinical testing. Allele origin: germline. Affected: yes.

PreventionGenetics, part of Exact Sciences
Classification: Uncertain significance for PKD1-related condition. Last evaluated: 2024-06-16. Review status: no assertion criteria provided. Collection method: clinical testing. Allele origin: germline. Not counted in ClinVar's aggregate classification.
Comment: The PKD1 c.2853+5G>A variant is predicted to interfere with splicing. This variant was reported in an individual with autosomal dominant polycystic kidney disease (ADPKD) (Elliott et al. 2021. PubMed ID: 34733539, Supplementary Table 1). This variant has not been reported in a large population database , indicating it is rare. Although we suspect that this variant may be pathogenic, at this time, the clinical significance is uncertain due to the absence of conclusive functional and genetic evidence.